The following is an entry in ClinVar:

NM_001134363.3(RBM20):c.795G>A (p.Gly265=)

Gene: RBM20 (RNA binding motif protein 20; plus strand). Cytogenetic location: 10q25.2.
Variant type: single nucleotide variant.
Coding change: c.795G>A on transcript NM_001134363.3 (MANE Select); coding-DNA position 795, G replaced by A.
Protein change: p.Gly265=; no amino-acid change (glycine 265 retained).
Molecular consequence: synonymous variant.
Genome position (GRCh38, 1-based): chr10:110,781,404, G>A. VCF-style: chr10-110781404-G-A. GRCh37 (hg19) VCF-style: chr10-112541162-G-A.
Identifiers: ClinVar variation 3686845 (VCV003686845.10).
Genomic context (GRCh38, chr10:110,781,404, plus strand): 5'-TGGTCAGCCTGGCTTCCTGCCATCCTCGGCCTCAACCTCGGGCAGTGTGACCTATGAAGG[G>A]CACTACAGCCACACAGGGCAGGATGGTCAAGCTGCCTTTTCCAAAGATTTTTACGGACCC-3'
Protein context (NP_001127835.2, residues 255-275): ASTSGSVTYE[Gly265=]HYSHTGQDGQ

ClinVar aggregate classification (germline): Likely benign. Review status: criteria provided, multiple submitters, no conflicts (2 of 4 stars). 2 submissions from 2 submitters: Likely benign (2). Last evaluated 2025-07-01.

Conditions:
Dilated cardiomyopathy 1DD (CMD1DD). Identifiers: Orphanet 154, MedGen C2750995, MONDO:0013168, OMIM 613172.

gnomAD v4.1: 3 of 1,551,640 alleles (0.00019%); highest among the groups gnomAD compares: South Asian, 0.0024%; no homozygotes.

Submissions (2):

CeGaT Center for Human Genetics Tuebingen
Classification: Likely benign. Last evaluated: 2025-07-01. Review status: criteria provided, single submitter. Criteria: CeGaT Center For Human Genetics Tuebingen Variant Classification Criteria Version 2. Collection method: clinical testing. Allele origin: germline. Affected: yes. Observed: 1 variant allele.
Comment: RBM20: BP4, BP7

Labcorp Genetics (formerly Invitae), Labcorp
Classification: Likely benign for Dilated cardiomyopathy 1DD. Last evaluated: 2025-01-22. Review status: criteria provided, single submitter. Criteria: Invitae Variant Classification Sherloc (09022015). Collection method: clinical testing. Allele origin: germline.